The following is an entry in ClinVar:

ClinVar aggregate classification (germline): Uncertain significance. Review status: criteria provided, multiple submitters, no conflicts (2 of 4 stars). 2 submissions from 2 submitters: Uncertain significance (2). Last evaluated 2025-01-20.

Conditions:
Charcot-Marie-Tooth disease axonal type 2C (HMSN2C). Also called: CHARCOT-MARIE-TOOTH DISEASE, AXONAL, AUTOSOMAL DOMINANT, TYPE 2C; Charcot-Marie-Tooth Neuropathy Type 2C; Charcot-Marie-Tooth Disease Type 2, TRPV4-Related (CMT2C). Identifiers: Orphanet 99937, MedGen C1853710, MONDO:0011633, OMIM 606071.

Allele frequency attached by ClinVar (database versions not stated): gnomAD exomes below 0.00001.
gnomAD v4.1: 3 of 1,614,118 alleles (0.00019%); highest among the groups gnomAD compares: Admixed American, 0.0017%; no homozygotes.

Submissions (2):

Labcorp Genetics (formerly Invitae), Labcorp
Classification: Uncertain significance for Charcot-Marie-Tooth disease axonal type 2C. Last evaluated: 2025-01-20. Review status: criteria provided, single submitter. Criteria: Invitae Variant Classification Sherloc (09022015). Collection method: clinical testing. Allele origin: germline.
Comment: This sequence change replaces isoleucine, which is neutral and non-polar, with valine, which is neutral and non-polar, at codon 157 of the TRPV4 protein (p.Ile157Val). This variant is not present in population databases (gnomAD no frequency). This variant has not been reported in the literature in individuals affected with TRPV4-related conditions. ClinVar contains an entry for this variant (Variation ID: 2437344). Invitae Evidence Modeling of protein sequence and biophysical properties (such as structural, functional, and spatial information, amino acid conservation, physicochemical variation, residue mobility, and thermodynamic stability) indicates that this missense variant is not expected to disrupt TRPV4 protein function with a negative predictive value of 95%. In summary, the available evidence is currently insufficient to determine the role of this variant in disease. Therefore, it has been classified as a Variant of Uncertain Significance.

Revvity Omics, Revvity
Classification: Uncertain significance. Last evaluated: 2019-04-24. Review status: criteria provided, single submitter. Criteria: ACMG Guidelines, 2015. Collection method: clinical testing. Allele origin: germline.

NM_021625.5(TRPV4):c.469A>G (p.Ile157Val)

Gene: TRPV4 (transient receptor potential cation channel subfamily V member 4; minus strand). Cytogenetic location: 12q24.11.
Variant type: single nucleotide variant.
Coding change: c.469A>G on transcript NM_021625.5 (MANE Select); coding-DNA position 469, A replaced by G.
Protein change: p.Ile157Val; replaces isoleucine 157 with valine.
Molecular consequence: missense variant.
Genome position (GRCh38, 1-based): chr12:109,808,386, T>C on the plus strand (A>G on the coding strand, the complement: TRPV4 is on the minus strand). VCF-style: chr12-109808386-T-C. GRCh37 (hg19) VCF-style: chr12-110246191-T-C.
Other names: c.469A>G, p.Ile157Val (NM_147204.3, NM_001177428.2, NM_001177433.2); c.367A>G, p.Ile123Val (NM_001177431.2); short protein forms I123V, I157V.
Identifiers: ClinVar variation 2437344 (VCV002437344.5), dbSNP rs1592853358, ClinGen allele CA386657165.